The following is an entry in ClinVar:

ClinVar aggregate classification (germline): Pathogenic (1 of 4 stars; one submission).

Conditions:
Fanconi anemia (FA). Also called: Fanconi's anemia. Identifiers: Orphanet 84, MedGen C0015625, MeSH D005199, MONDO:0019391.

Submission:

Labcorp Genetics (formerly Invitae), Labcorp
Classification: Pathogenic for Fanconi anemia. Last evaluated: 2022-04-10. Review status: criteria provided, single submitter. Criteria: Invitae Variant Classification Sherloc (09022015). Collection method: clinical testing. Allele origin: germline.
Comment: This variant has not been reported in the literature in individuals affected with FANCF-related conditions. This variant is not present in population databases (gnomAD no frequency). This sequence change creates a premature translational stop signal (p.Lys179*) in the FANCF gene. While this is not anticipated to result in nonsense mediated decay, it is expected to disrupt the last 196 amino acid(s) of the FANCF protein. This variant disrupts a region of the FANCF protein in which other variant(s) (p.Ala180Profs*23) have been determined to be pathogenic (PMID: 11063725, 12649160, 15262960, 17082180). This suggests that this is a clinically significant region of the protein, and that variants that disrupt it are likely to be disease-causing. For these reasons, this variant has been classified as Pathogenic.

Literature cited by the submitters: PubMed 11063725; PubMed 12649160; PubMed 15262960; PubMed 17082180.

NM_022725.4(FANCF):c.535A>T (p.Lys179Ter)

Gene: FANCF (FA complementation group F; minus strand). Cytogenetic location: 11p14.3.
Variant type: single nucleotide variant.
Coding change: c.535A>T on transcript NM_022725.4 (MANE Select); coding-DNA position 535, A replaced by T.
Protein change: p.Lys179Ter; replaces lysine 179 with a stop codon.
Molecular consequence: nonsense.
Genome position (GRCh38, 1-based): chr11:22,625,276, T>A on the plus strand (A>T on the coding strand, the complement: FANCF is on the minus strand). VCF-style: chr11-22625276-T-A. GRCh37 (hg19) VCF-style: chr11-22646822-T-A.
Other names: short protein forms K179*.
Identifiers: ClinVar variation 2121109 (VCV002121109.4), dbSNP rs2133797511, ClinGen allele CA380058846.